The following is an entry in ClinVar:

NM_001127222.2(CACNA1A):c.101G>A (p.Gly34Glu)

Gene: CACNA1A (calcium voltage-gated channel subunit alpha1 A; minus strand). Cytogenetic location: 19p13.13.
Variant type: single nucleotide variant.
Coding change: c.101G>A on transcript NM_001127222.2 (MANE Select); coding-DNA position 101, G replaced by A.
Protein change: p.Gly34Glu; replaces glycine 34 with glutamic acid.
Molecular consequence: missense variant.
Genome position (GRCh38, 1-based): chr19:13,506,124, C>T on the plus strand (G>A on the coding strand, the complement: CACNA1A is on the minus strand). VCF-style: chr19-13506124-C-T. GRCh37 (hg19) VCF-style: chr19-13616938-C-T.
Other names: c.101G>A, p.Gly34Glu (NM_000068.4, NM_001127221.2, NM_001174080.2 and 1 more transcripts); short protein forms G34E.
Identifiers: ClinVar variation 2039988 (VCV002039988.4), dbSNP rs1396213397, ClinGen allele CA404971209.
Genomic context (GRCh38, chr19:13,506,124, plus strand): 5'-TGCGCCATTGACTGCTTGTACATCCTTTGCGCCCCGGGCTGCCCGCCCTGCCGGCTGCCC[C>T]CGGCTCCTCGCCCGCCTCCGCTGCCCACGACCACCCCGGCGGCTGCCCCGGAGCCTCCTC-3'
Protein context (NP_001120694.1, residues 24-44): VVGSGGGRGA[Gly34Glu]GSRQGGQPGA

ClinVar aggregate classification (germline): Uncertain significance (1 of 4 stars; one submission).

Conditions:
Episodic ataxia type 2 (EA2). Also called: ATAXIA, EPISODIC, WITH NYSTAGMUS; ATAXIA, FAMILIAL PAROXYSMAL; CEREBELLAR ATAXIA, PAROXYSMAL, ACETAZOLAMIDE-RESPONSIVE; CEREBELLOPATHY, HEREDITARY PAROXYSMAL; ACETAZOLAMIDE-RESPONSIVE HEREDITARY PAROXYSMAL CEREBELLAR ATAXIA; EPISODIC ATAXIA, NYSTAGMUS-ASSOCIATED. Identifiers: Orphanet 97, MedGen C1720416, MONDO:0007163, OMIM 108500.
Developmental and epileptic encephalopathy, 42 (DEE42A). Also called: Epileptic encephalopathy, early infantile, 42; DEVELOPMENTAL AND EPILEPTIC ENCEPHALOPATHY 42A; EPILEPTIC ENCEPHALOPATHY, EARLY INFANTILE, 42A. Identifiers: MedGen C4310716, MONDO:0014917, OMIM 617106.

Allele frequency attached by ClinVar (database versions not stated): gnomAD 0.00001.
gnomAD v4.1: 1 of 1,606,148 alleles (0.000062%); highest among the groups gnomAD compares: Non-Finnish European, 0.000085%; no homozygotes.

Submission:

Labcorp Genetics (formerly Invitae), Labcorp
Classification: Uncertain significance for Developmental and epileptic encephalopathy, 42; Episodic ataxia type 2. Last evaluated: 2022-07-06. Review status: criteria provided, single submitter. Criteria: Invitae Variant Classification Sherloc (09022015). Collection method: clinical testing. Allele origin: germline.
Comment: In summary, the available evidence is currently insufficient to determine the role of this variant in disease. Therefore, it has been classified as a Variant of Uncertain Significance. Advanced modeling of protein sequence and biophysical properties (such as structural, functional, and spatial information, amino acid conservation, physicochemical variation, residue mobility, and thermodynamic stability) performed at Invitae indicates that this missense variant is not expected to disrupt CACNA1A protein function. This variant has not been reported in the literature in individuals affected with CACNA1A-related conditions. This variant is present in population databases (no rsID available, gnomAD no frequency). This sequence change replaces glycine, which is neutral and non-polar, with glutamic acid, which is acidic and polar, at codon 34 of the CACNA1A protein (p.Gly34Glu).